The following is an entry in ClinVar:

ClinVar aggregate classification (germline): Uncertain significance. Review status: criteria provided, multiple submitters, no conflicts (2 of 4 stars). 2 submissions from 2 submitters: Uncertain significance (2). Last evaluated 2025-11-19.

Conditions:
Retinitis pigmentosa 73 (RP73). Identifiers: Orphanet 791, MedGen C4225287, MONDO:0014687, OMIM 616544.
Mucopolysaccharidosis, MPS-III-C (MPS3C). Also called: SANFILIPPO SYNDROME C; MPS III C; Mucopolysaccharidosis type IIIC (Sanfilippo C); MUCOPOLYSACCHARIDOSIS, TYPE IIIC; mucopolysaccharidosis type 3C; MPS IIIC (Sanfilippo Syndrome Type C). Identifiers: Orphanet 581, Orphanet 79271, MedGen C0086649, MONDO:0009657, OMIM 252930.

gnomAD v4.1: 5 of 1,607,512 alleles (0.00031%); highest among the groups gnomAD compares: Admixed American, 0.0086%; no homozygotes.

Submissions (2):

Labcorp Genetics (formerly Invitae), Labcorp
Classification: Uncertain significance for Retinitis pigmentosa 73; Mucopolysaccharidosis, MPS-III-C. Last evaluated: 2025-11-19. Review status: criteria provided, single submitter. Criteria: Invitae Variant Classification Sherloc (09022015). Collection method: clinical testing. Allele origin: germline.
Comment: This sequence change falls in intron 4 of the HGSNAT gene. It does not directly change the encoded amino acid sequence of the HGSNAT protein. It affects a nucleotide within the consensus splice site. This variant is not present in population databases (gnomAD no frequency). This variant has not been reported in the literature in individuals affected with HGSNAT-related conditions. ClinVar contains an entry for this variant (Variation ID: 2048163). Variants that disrupt the consensus splice site are a relatively common cause of aberrant splicing (PMID: 17576681, 9536098). Algorithms developed to predict the effect of sequence changes on RNA splicing suggest that this variant may disrupt the consensus splice site. In summary, the available evidence is currently insufficient to determine the role of this variant in disease. Therefore, it has been classified as a Variant of Uncertain Significance.

Women's Health and Genetics/Laboratory Corporation of America, LabCorp
Classification: Uncertain significance. Last evaluated: 2024-11-04. Review status: criteria provided, single submitter. Criteria: LabCorp Variant Classification Summary - May 2015. Collection method: clinical testing. Allele origin: germline.

Literature cited by the submitters: PubMed 17576681 (cited by Labcorp Genetics (formerly Invitae), Labcorp); PubMed 9536098 (cited by Labcorp Genetics (formerly Invitae), Labcorp).

NM_152419.3(HGSNAT):c.493+4C>G

Gene: HGSNAT (heparan-alpha-glucosaminide N-acetyltransferase; plus strand). Cytogenetic location: 8p11.21.
Variant type: single nucleotide variant.
Coding change: c.493+4C>G on transcript NM_152419.3 (MANE Select); 4 bases into the intron after coding-DNA position 493, C replaced by G.
Molecular consequence: intron variant.
Genome position (GRCh38, 1-based): chr8:43,159,048, C>G. VCF-style: chr8-43159048-C-G. GRCh37 (hg19) VCF-style: chr8-43014191-C-G.
Other names: c.493+4C>G (NM_001363227.2, NM_001363228.2); c.-341+4C>G (NM_001363229.2).
Identifiers: ClinVar variation 2048163 (VCV002048163.5), dbSNP rs372471081, ClinGen allele CA851975132.
Genomic context (GRCh38, chr8:43,159,048, plus strand): 5'-TTAGTGAAATTGCCTGTGACCTGGCTGTGAACGAGGATCCAGTTGATAGTAACCTTCGTA[C>G]GTATATGTTCTCTGCTGATTTTCACATTTGCATTTTCAGAGGTTTCAGTTTTTGAGTACT-3'